The following is an entry in ClinVar:

ClinVar aggregate classification (germline): Uncertain significance (1 of 4 stars; one submission).

Submission:

Labcorp Genetics (formerly Invitae), Labcorp
Classification: Uncertain significance. Last evaluated: 2022-01-07. Review status: criteria provided, single submitter. Criteria: Invitae Variant Classification Sherloc (09022015). Collection method: clinical testing. Allele origin: germline.
Comment: In summary, the available evidence is currently insufficient to determine the role of this variant in disease. Therefore, it has been classified as a Variant of Uncertain Significance. Algorithms developed to predict the effect of missense changes on protein structure and function are either unavailable or do not agree on the potential impact of this missense change (SIFT: "Deleterious"; PolyPhen-2: "Benign"; Align-GVGD: "Class C0"). This variant has not been reported in the literature in individuals affected with TRRAP-related conditions. This variant is not present in population databases (gnomAD no frequency). This sequence change replaces serine, which is neutral and polar, with asparagine, which is neutral and polar, at codon 2415 of the TRRAP protein (p.Ser2415Asn).

NM_001375524.1(TRRAP):c.7319G>A (p.Ser2440Asn)

Gene: TRRAP (transformation/transcription domain associated protein; plus strand). Cytogenetic location: 7q22.1.
Variant type: single nucleotide variant.
Coding change: c.7319G>A on transcript NM_001375524.1 (MANE Select); coding-DNA position 7319, G replaced by A.
Protein change: p.Ser2440Asn; replaces serine 2440 with asparagine.
Molecular consequence: missense variant.
Genome position (GRCh38, 1-based): chr7:98,967,505, G>A. VCF-style: chr7-98967505-G-A. GRCh37 (hg19) VCF-style: chr7-98565128-G-A.
Other names: c.7298G>A, p.Ser2433Asn (NM_001244580.2); c.7244G>A, p.Ser2415Asn (NM_003496.4); short protein forms S2415N, S2433N, S2440N.
Identifiers: ClinVar variation 1393541 (VCV001393541.6), dbSNP rs202028606, ClinGen allele CA368292675.